The following is an entry in ClinVar:

NM_000742.4(CHRNA2):c.295-18T>A

Gene: CHRNA2 (cholinergic receptor nicotinic alpha 2 subunit; minus strand). Cytogenetic location: 8p21.2.
Variant type: single nucleotide variant.
Coding change: c.295-18T>A on transcript NM_000742.4 (MANE Select); 18 bases into the intron before coding-DNA position 295, T replaced by A.
Molecular consequence: intron variant.
Genome position (GRCh38, 1-based): chr8:27,469,397, A>T on the plus strand (T>A on the coding strand, the complement: CHRNA2 is on the minus strand). VCF-style: chr8-27469397-A-T. GRCh37 (hg19) VCF-style: chr8-27326914-A-T.
Other names: c.-178-18T>A (NM_001347705.2, NM_001347706.2); c.250-18T>A (NM_001282455.2); c.-167-18T>A (NM_001347708.2); c.-164-18T>A (NM_001347707.2).
Identifiers: ClinVar variation 1383208 (VCV001383208.6), dbSNP rs2132666061, ClinGen allele CA2573142679.
Genomic context (GRCh38, chr8:27,469,397, plus strand): 5'-GTTTTAGCCAGACGTTGGTGGTCATCATTTGGTTCTTCTCATCCTGGCCCAGAGAGAGAC[A>T]GAGGAGCAATTAAAGGGGTGGGCCCAGCCCCAGAAGACAGGGTGGAGTGGGATGGGCTGT-3'

ClinVar aggregate classification (germline): Uncertain significance (1 of 4 stars; one submission).

Conditions:
Familial sleep-related hypermotor epilepsy. Also called: Autosomal Dominant Sleep-Related Hypermotor (Hyperkinetic) Epilepsy. Identifiers: Orphanet 98784, MedGen C3696898, MONDO:0000030.

Submission:

Labcorp Genetics (formerly Invitae), Labcorp
Classification: Uncertain significance. Last evaluated: 2021-09-25. Review status: criteria provided, single submitter. Criteria: Invitae Variant Classification Sherloc (09022015). Collection method: clinical testing. Allele origin: germline.
Comment: In summary, the available evidence is currently insufficient to determine the role of this variant in disease. Therefore, it has been classified as a Variant of Uncertain Significance. Algorithms developed to predict the effect of sequence changes on RNA splicing suggest that this variant may create or strengthen a splice site. This variant has not been reported in the literature in individuals affected with CHRNA2-related conditions. This variant is not present in population databases (ExAC no frequency). This sequence change falls in intron 3 of the CHRNA2 gene. It does not directly change the encoded amino acid sequence of the CHRNA2 protein.